The following is an entry in ClinVar:

ClinVar aggregate classification (germline): Uncertain significance. Review status: criteria provided, multiple submitters, no conflicts (2 of 4 stars). 4 submissions from 4 submitters: Uncertain significance (3). 1 of the submissions does not count toward it. Last evaluated 2022-04-25.

Conditions:
ALDOB-related disorder. Also called: ALDOB-related condition.
Hereditary fructosuria. Also called: ALDOB DEFICIENCY; ALDOLASE B DEFICIENCY; FRUCTOSE-1,6-BISPHOSPHATE ALDOLASE B DEFICIENCY; FRUCTOSE-1-PHOSPHATE ALDOLASE DEFICIENCY; FRUCTOSEMIA; Hereditary fructose intolerance. Identifiers: Orphanet 469, MedGen C0016751, MONDO:0009249, OMIM 229600, HP:0005973. Disease mechanism: loss of function.

Allele frequency attached by ClinVar (database versions not stated): gnomAD exomes 0.00004; ExAC 0.00005; gnomAD 0.00011 and 0.00013; TOPMed 0.00020; 1000 Genomes Project 0.00040; 1000 Genomes Project 30x 0.00062.
gnomAD v4.1: 84 of 1,614,156 alleles (0.0052%); highest among the groups gnomAD compares: Admixed American, 0.022%; no homozygotes.

Submissions (4):

Fulgent Genetics
Classification: Uncertain significance for Hereditary fructosuria. Last evaluated: 2022-04-25. Review status: criteria provided, single submitter. Criteria: ACMG Guidelines, 2015. Collection method: clinical testing. Allele origin: unknown.

Laboratorio de Genetica e Diagnostico Molecular, Hospital Israelita Albert Einstein
Classification: Uncertain significance for Hereditary fructosuria. Last evaluated: 2021-03-18. Review status: criteria provided, single submitter. Criteria: ACMG Guidelines, 2015. Collection method: clinical testing. Allele origin: germline. Affected: yes.
Comment: ACMG classification criteria: PM2, PP3

Eurofins Ntd Llc (ga)
Classification: Uncertain significance. Last evaluated: 2017-11-20. Review status: criteria provided, single submitter. Criteria: EGL Classification Definitions 2015. Collection method: clinical testing. Allele origin: germline. Observed: 1 variant allele, 1 heterozygote.

PreventionGenetics, part of Exact Sciences
Classification: Uncertain significance for ALDOB-related condition. Last evaluated: 2024-04-16. Review status: no assertion criteria provided. Collection method: clinical testing. Allele origin: germline. Not counted in ClinVar's aggregate classification.
Comment: The ALDOB c.445C>T variant is predicted to result in the amino acid substitution p.Arg149Cys. To our knowledge, this variant has not been reported in the literature. This variant is reported in 0.016% of alleles in individuals of South Asian descent in gnomAD. At this time, the clinical significance of this variant is uncertain due to the absence of conclusive functional and genetic evidence.

NM_000035.4(ALDOB):c.445C>T (p.Arg149Cys)

Gene: ALDOB (aldolase, fructose-bisphosphate B; minus strand). Cytogenetic location: 9q31.1.
Variant type: single nucleotide variant.
Coding change: c.445C>T on transcript NM_000035.4 (MANE Select); coding-DNA position 445, C replaced by T.
Protein change: p.Arg149Cys; replaces arginine 149 with cysteine.
Molecular consequence: missense variant.
Genome position (GRCh38, 1-based): chr9:101,427,577, G>A on the plus strand (C>T on the coding strand, the complement: ALDOB is on the minus strand). VCF-style: chr9-101427577-G-A. GRCh37 (hg19) VCF-style: chr9-104189859-G-A.
Other names: c.445C>T (NM_000035.3); c.445C>T, p.Arg149Cys (LRG_1244t1); short protein forms R149C.
Identifiers: ClinVar variation 595092 (VCV000595092.9), dbSNP rs190464963, ClinGen allele CA5161604.